The following is an entry in ClinVar:

ClinVar aggregate classification (germline): Uncertain significance (1 of 4 stars; one submission).

gnomAD v4.1: 2 of 1,613,452 alleles (0.00012%); highest among the groups gnomAD compares: African/African-American, 0.0013%; no homozygotes.

Submission:

Labcorp Genetics (formerly Invitae), Labcorp
Classification: Uncertain significance. Last evaluated: 2022-09-01. Review status: criteria provided, single submitter. Criteria: Invitae Variant Classification Sherloc (09022015). Collection method: clinical testing. Allele origin: germline.
Comment: ClinVar contains an entry for this variant (Variation ID: 1040024). This variant has not been reported in the literature in individuals affected with NEDD4L-related conditions. This variant is present in population databases (rs748474298, gnomAD 0.0009%). This sequence change replaces alanine, which is neutral and non-polar, with threonine, which is neutral and polar, at codon 290 of the NEDD4L protein (p.Ala290Thr). In summary, the available evidence is currently insufficient to determine the role of this variant in disease. Therefore, it has been classified as a Variant of Uncertain Significance. Algorithms developed to predict the effect of sequence changes on RNA splicing suggest that this variant may create or strengthen a splice site. Algorithms developed to predict the effect of missense changes on protein structure and function (SIFT, PolyPhen-2, Align-GVGD) all suggest that this variant is likely to be tolerated.

NM_001144967.3(NEDD4L):c.868G>A (p.Ala290Thr)

Gene: NEDD4L (NEDD4 like E3 ubiquitin protein ligase; plus strand). Cytogenetic location: 18q21.31.
Variant type: single nucleotide variant.
Coding change: c.868G>A on transcript NM_001144967.3 (MANE Select); coding-DNA position 868, G replaced by A.
Protein change: p.Ala290Thr; replaces alanine 290 with threonine.
Molecular consequence: missense variant.
Genome position (GRCh38, 1-based): chr18:58,330,792, G>A. VCF-style: chr18-58330792-G-A. GRCh37 (hg19) VCF-style: chr18-55998024-G-A.
Other names: c.505G>A, p.Ala169Thr (NM_001144966.3, NM_001144970.3, NM_001144971.2 and 2 more transcripts); c.844G>A, p.Ala282Thr (NM_001144968.2, NM_001144969.2); c.868G>A, p.Ala290Thr (NM_001243960.2, NM_015277.6); short protein forms A290T, A282T, A169T.
Identifiers: ClinVar variation 1040024 (VCV001040024.8), dbSNP rs748474298, ClinGen allele CA8975502.